The following is an entry in ClinVar:

ClinVar aggregate classification (germline): Uncertain significance (1 of 4 stars; one submission).

Conditions:
Leukodystrophy, hypomyelinating, 6. Also called: TUBB4A-Associated Leukodystrophy; LEUKODYSTROPHY, HYPOMYELINATING, WITH ATROPHY OF THE BASAL GANGLIA AND CEREBELLUM; Hypomyelination with Atrophy of Basal Ganglia and Cerebellum (H-ABC). Identifiers: Orphanet 139441, MedGen C2676244, MONDO:0012905, OMIM 612438.

Allele frequency attached by ClinVar (database versions not stated): TOPMed below 0.00001.

Submission:

Labcorp Genetics (formerly Invitae), Labcorp
Classification: Uncertain significance for Leukodystrophy, hypomyelinating, 6. Last evaluated: 2024-02-24. Review status: criteria provided, single submitter. Criteria: Invitae Variant Classification Sherloc (09022015). Collection method: clinical testing. Allele origin: germline.
Comment: This sequence change replaces glutamic acid, which is acidic and polar, with lysine, which is basic and polar, at codon 405 of the TUBB4A protein (p.Glu405Lys). The frequency data for this variant in the population databases is considered unreliable, as metrics indicate poor data quality at this position in the gnomAD database. This variant has not been reported in the literature in individuals affected with TUBB4A-related conditions. This missense change has been observed in at least one individual who was not affected with TUBB4A-related conditions (Invitae). ClinVar contains an entry for this variant (Variation ID: 1366727). Advanced modeling of protein sequence and biophysical properties (such as structural, functional, and spatial information, amino acid conservation, physicochemical variation, residue mobility, and thermodynamic stability) performed at Invitae indicates that this missense variant is expected to disrupt TUBB4A protein function with a positive predictive value of 80%. In summary, the available evidence is currently insufficient to determine the role of this variant in disease. Therefore, it has been classified as a Variant of Uncertain Significance.

NM_006087.4(TUBB4A):c.1213G>A (p.Glu405Lys)

Gene: TUBB4A (tubulin beta 4A class IVa; minus strand). Cytogenetic location: 19p13.3.
Variant type: single nucleotide variant.
Coding change: c.1213G>A on transcript NM_006087.4 (MANE Select); coding-DNA position 1213, G replaced by A.
Protein change: p.Glu405Lys; replaces glutamic acid 405 with lysine.
Molecular consequence: missense variant.
Genome position (GRCh38, 1-based): chr19:6,495,286, C>T on the plus strand (G>A on the coding strand, the complement: TUBB4A is on the minus strand). VCF-style: chr19-6495286-C-T. GRCh37 (hg19) VCF-style: chr19-6495297-C-T.
Other names: c.1366G>A, p.Glu456Lys (NM_001289123.2); c.1348G>A, p.Glu450Lys (NM_001289127.2); c.1213G>A, p.Glu405Lys (NM_001289129.2); c.997G>A, p.Glu333Lys (NM_001289130.2, NM_001289131.2); short protein forms E450K, E456K, E405K, E333K.
Identifiers: ClinVar variation 1366727 (VCV001366727.8), dbSNP rs745756691, ClinGen allele CA9127255.
Genomic context (GRCh38, chr19:6,495,286, plus strand): 5'-ACTGCTGGTACTCAGATACCAGGTCATTCATGTTGCTCTCGGCCTCGGTGAACTCCATCT[C>T]GTCCATGCCCTCGCCCGTGTACCAGTGCAAGAAGGCCTTGCGCCGGAACATGGCCGTGAA-3'
Protein context (NP_006078.2, residues 395-415): LHWYTGEGMD[Glu405Lys]MEFTEAESNM